The following is an entry in ClinVar:

NM_001365536.1(SCN9A):c.2861T>C (p.Ile954Thr)

Genes: SCN1A-AS1 (SCN1A and SCN9A antisense RNA 1; plus strand), SCN9A (sodium voltage-gated channel alpha subunit 9; minus strand). Cytogenetic location: 2q24.3.
Variant type: single nucleotide variant.
Coding change: c.2861T>C on transcript NM_001365536.1 (MANE Select); coding-DNA position 2861, T replaced by C.
Protein change: p.Ile954Thr; replaces isoleucine 954 with threonine.
Molecular consequence: missense variant.
Genome position (GRCh38, 1-based): chr2:166,276,996, A>G on the plus strand (T>C on the coding strand, the complement: SCN9A is on the minus strand). VCF-style: chr2-166276996-A-G. GRCh37 (hg19) VCF-style: chr2-167133506-A-G.
Other names: c.2828T>C, p.Ile943Thr (NM_002977.4); short protein forms I943T, I954T.
Identifiers: ClinVar variation 3381485 (VCV003381485.3).

ClinVar aggregate classification (germline): Uncertain significance. Review status: criteria provided, multiple submitters, no conflicts (2 of 4 stars). 2 submissions from 2 submitters: Uncertain significance (2). Last evaluated 2024-07-30.

Conditions:
Generalized epilepsy with febrile seizures plus, type 7 (GEFSP7). Also called: GEFS+, TYPE 7. Identifiers: Orphanet 36387, MedGen C2751778, MONDO:0013470, OMIM 613863.
Neuropathy, hereditary sensory and autonomic, type 2A (HSAN2A). Also called: MORVAN DISEASE; NEUROPATHY, CONGENITAL SENSORY; NEUROPATHY, HEREDITARY SENSORY RADICULAR, AUTOSOMAL RECESSIVE; NEUROPATHY, HEREDITARY SENSORY, TYPE IIA; NEUROPATHY, PROGRESSIVE SENSORY, OF CHILDREN; WNK1-Related HSAN2 (HSAN2A). Identifiers: Orphanet 970, MedGen C2752089, MONDO:0024309, OMIM 201300.

gnomAD v4.1: 3 of 1,612,556 alleles (0.00019%); highest among the groups gnomAD compares: African/African-American, 0.0013%; no homozygotes.

Submissions (2):

Labcorp Genetics (formerly Invitae), Labcorp
Classification: Uncertain significance for Neuropathy, hereditary sensory and autonomic, type 2A; Generalized epilepsy with febrile seizures plus, type 7. Last evaluated: 2024-07-30. Review status: criteria provided, single submitter. Criteria: Invitae Variant Classification Sherloc (09022015). Collection method: clinical testing. Allele origin: germline.
Comment: This sequence change replaces isoleucine, which is neutral and non-polar, with threonine, which is neutral and polar, at codon 943 of the SCN9A protein (p.Ile943Thr). This variant is not present in population databases (gnomAD no frequency). This variant has not been reported in the literature in individuals affected with SCN9A-related conditions. Advanced modeling of protein sequence and biophysical properties (such as structural, functional, and spatial information, amino acid conservation, physicochemical variation, residue mobility, and thermodynamic stability) performed at Invitae indicates that this missense variant is not expected to disrupt SCN9A protein function with a negative predictive value of 80%. In summary, the available evidence is currently insufficient to determine the role of this variant in disease. Therefore, it has been classified as a Variant of Uncertain Significance.

GeneDx
Classification: Uncertain significance. Last evaluated: 2024-05-14. Review status: criteria provided, single submitter. Criteria: GeneDx Variant Classification Process June 2021. Collection method: clinical testing. Allele origin: germline. Affected: yes.
Comment: Not observed at significant frequency in large population cohorts (gnomAD); In silico analysis supports that this missense variant has a deleterious effect on protein structure/function; Has not been previously published as pathogenic or benign to our knowledge